The following is an entry in ClinVar:

NM_001042492.3(NF1):c.4237T>G (p.Phe1413Val)

Gene: NF1 (neurofibromin 1; plus strand). Cytogenetic location: 17q11.2.
Variant type: single nucleotide variant.
Coding change: c.4237T>G on transcript NM_001042492.3 (MANE Select); coding-DNA position 4237, T replaced by G.
Protein change: p.Phe1413Val; replaces phenylalanine 1413 with valine.
Molecular consequence: missense variant.
Genome position (GRCh38, 1-based): chr17:31,258,407, T>G. VCF-style: chr17-31258407-T-G. GRCh37 (hg19) VCF-style: chr17-29585425-T-G.
Other names: c.4174T>G, p.Phe1392Val (NM_000267.4); short protein forms F1413V, F1392V.
Identifiers: ClinVar variation 4119169 (VCV004119169.1).

ClinVar aggregate classification (germline): Uncertain significance (1 of 4 stars; one submission).

Conditions:
Cardiovascular phenotype. Identifiers: MedGen CN230736.
Hereditary cancer-predisposing syndrome. Also called: Hereditary neoplastic syndrome; Neoplastic Syndromes, Hereditary; Tumor predisposition; Hereditary Cancer Syndrome. Identifiers: Orphanet 140162, MedGen C0027672, MeSH D009386, MONDO:0015356.

gnomAD v4.1: 1 of 1,613,906 alleles (0.000062%); highest among the groups gnomAD compares: Non-Finnish European, 0.000085%; no homozygotes.

Submission:

Ambry Genetics
Classification: Uncertain significance for Cardiovascular phenotype; Hereditary cancer-predisposing syndrome. Last evaluated: 2025-09-09. Review status: criteria provided, single submitter. Criteria: Ambry Variant Classification Scheme 2023. Collection method: clinical testing. Allele origin: germline.
Comment: The p.F1392V variant (also known as c.4174T>G), located in coding exon 31 of the NF1 gene, results from a T to G substitution at nucleotide position 4174. The phenylalanine at codon 1392 is replaced by valine, an amino acid with highly similar properties. This amino acid position is highly conserved in available vertebrate species. In addition, this alteration is predicted to be deleterious by in silico analysis. Based on the available evidence, the clinical significance of this variant remains unclear.